The following is an entry in ClinVar:

ClinVar aggregate classification (germline): Uncertain significance (1 of 4 stars; one submission).

Submission:

Labcorp Genetics (formerly Invitae), Labcorp
Classification: Uncertain significance. Last evaluated: 2023-10-03. Review status: criteria provided, single submitter. Criteria: Invitae Variant Classification Sherloc (09022015). Collection method: clinical testing. Allele origin: germline.
Comment: This sequence change replaces histidine, which is basic and polar, with tyrosine, which is neutral and polar, at codon 759 of the NALCN protein (p.His759Tyr). This variant is not present in population databases (gnomAD no frequency). This variant has not been reported in the literature in individuals affected with NALCN-related conditions. Advanced modeling of protein sequence and biophysical properties (such as structural, functional, and spatial information, amino acid conservation, physicochemical variation, residue mobility, and thermodynamic stability) performed at Invitae indicates that this missense variant is not expected to disrupt NALCN protein function. In summary, the available evidence is currently insufficient to determine the role of this variant in disease. Therefore, it has been classified as a Variant of Uncertain Significance.

NM_052867.4(NALCN):c.2275C>T (p.His759Tyr)

Gene: NALCN (sodium leak channel, non-selective; minus strand). Cytogenetic location: 13q33.1.
Variant type: single nucleotide variant.
Coding change: c.2275C>T on transcript NM_052867.4 (MANE Select); coding-DNA position 2275, C replaced by T.
Protein change: p.His759Tyr; replaces histidine 759 with tyrosine.
Molecular consequence: missense variant.
Genome position (GRCh38, 1-based): chr13:101,111,144, G>A on the plus strand (C>T on the coding strand, the complement: NALCN is on the minus strand). VCF-style: chr13-101111144-G-A. GRCh37 (hg19) VCF-style: chr13-101763495-G-A.
Other names: c.2362C>T, p.His788Tyr (NM_001350748.2); c.2275C>T, p.His759Tyr (NM_001350749.2); c.2188C>T, p.His730Tyr (NM_001350750.2, NM_001350751.2); short protein forms H788Y, H759Y, H730Y.
Identifiers: ClinVar variation 2850021 (VCV002850021.3), dbSNP rs2502214978, ClinGen allele CA388670933.